The following is an entry in ClinVar:

NM_001029883.3(PCARE):c.3669_3670insGGC

Gene: PCARE (photoreceptor cilium actin regulator; minus strand). Cytogenetic location: 2p23.2.
Variant type: Insertion.
Coding change: c.3669_3670insGGC on transcript NM_001029883.3 (MANE Select); coding-DNA positions 3669 to 3670, GGC inserted.
Genome position: GRCh38 VCF-style: chr2-29065066-T-TGCC. GRCh37 (hg19) VCF-style: chr2-29287932-T-TGCC.
Identifiers: ClinVar variation 1026937 (VCV001026937.7), dbSNP rs757355249, ClinGen allele CA1591851.

ClinVar aggregate classification (germline): Conflicting classifications of pathogenicity. Review status: criteria provided, conflicting classifications (1 of 4 stars). 3 submissions from 3 submitters: Uncertain significance (2); Likely benign (1). Last evaluated 2024-11-21.

Conditions:
Retinitis pigmentosa 54 (RP54). Identifiers: Orphanet 791, MedGen C3150691, MONDO:0013263, OMIM 613428.

Submissions (3):

Blueprint Genetics
Classification: Likely benign. Last evaluated: 2024-11-21. Review status: criteria provided, single submitter. Criteria: ACMG Guidelines, 2015. Collection method: clinical testing. Allele origin: germline.

Labcorp Genetics (formerly Invitae), Labcorp
Classification: Uncertain significance. Last evaluated: 2022-10-17. Review status: criteria provided, single submitter. Criteria: Invitae Variant Classification Sherloc (09022015). Collection method: clinical testing. Allele origin: germline.
Comment: This variant, c.3669_3670insGGC, results in the insertion of 1 amino acid(s) of the PCARE protein (p.Ser1223_Ser1224insGly), but otherwise preserves the integrity of the reading frame. This variant is present in population databases (rs757355249, gnomAD 0.1%). This variant has not been reported in the literature in individuals affected with PCARE-related conditions. ClinVar contains an entry for this variant (Variation ID: 1026937). Experimental studies and prediction algorithms are not available or were not evaluated, and the functional significance of this variant is currently unknown. Algorithms developed to predict the effect of sequence changes on RNA splicing suggest that this variant may disrupt the consensus splice site. In summary, the available evidence is currently insufficient to determine the role of this variant in disease. Therefore, it has been classified as a Variant of Uncertain Significance.

Juno Genomics, Hangzhou Juno Genomics, Inc
Classification: Uncertain significance for Retinitis pigmentosa 54. Review status: criteria provided, single submitter. Criteria: ACMG Guidelines, 2015. Collection method: clinical testing. Allele origin: germline.
Comment: Absent from controls (or at extremely low frequency if recessive) in Genome Aggregation Database.;Protein length changes due to in-frame deletions/insertions in a non-repeat region or stop-loss variants.